The following is an entry in ClinVar:

ClinVar aggregate classification (germline): Pathogenic (1 of 4 stars; one submission).

Submission:

GeneDx
Classification: Pathogenic. Last evaluated: 2022-04-28. Review status: criteria provided, single submitter. Criteria: GeneDx Variant Classification Process June 2021. Collection method: clinical testing. Allele origin: germline. Affected: yes.
Comment: In silico analysis supports that this missense variant has a deleterious effect on protein structure/function; Not observed at significant frequency in large population cohorts (gnomAD); This variant is associated with the following publications: (PMID: 32565546, 32266967)

NM_001348800.3(ZBTB20):c.1739G>A (p.Cys580Tyr)

Gene: ZBTB20 (zinc finger and BTB domain containing 20; minus strand). Cytogenetic location: 3q13.31.
Variant type: single nucleotide variant.
Coding change: c.1739G>A on transcript NM_001348800.3 (MANE Select); coding-DNA position 1739, G replaced by A.
Protein change: p.Cys580Tyr; replaces cysteine 580 with tyrosine.
Molecular consequence: missense variant.
Genome position (GRCh38, 1-based): chr3:114,350,339, C>T on the plus strand (G>A on the coding strand, the complement: ZBTB20 is on the minus strand). VCF-style: chr3-114350339-C-T. GRCh37 (hg19) VCF-style: chr3-114069186-C-T.
Other names: c.1739G>A, p.Cys580Tyr (NM_001164342.2, NM_001348803.3, NM_001393393.1 and 1 more transcripts); c.1520G>A, p.Cys507Tyr (NM_001164343.2, NM_001164344.4, NM_001164345.4 and 9 more transcripts); short protein forms C507Y, C580Y.
Identifiers: ClinVar variation 1712590 (VCV001712590.2), dbSNP rs2550499377, ClinGen allele CA354006187.
Genomic context (GRCh38, chr3:114,350,339, plus strand): 5'-TGTACGAACATGTGCTTGACGTAGTTCTGTTTGGCGGTGAAAGTCTTGTTGCAGAGAGTG[C>T]ACTCATAAGGCTTTTTTTCGCCTTGCCCACTGGCTGTGCTGTGGCCTGCGGATGAGGCCA-3'
Protein context (NP_001335729.1, residues 570-590): SGQGEKKPYE[Cys580Tyr]TLCNKTFTAK